The following is an entry in ClinVar:

ClinVar aggregate classification (germline): Uncertain significance (1 of 4 stars; one submission).

Conditions:
Left ventricular noncompaction 8 (LVNC8). Identifiers: Orphanet 154, Orphanet 54260, MedGen C3809288, MONDO:0014152, OMIM 615373.

Submission:

Labcorp Genetics (formerly Invitae), Labcorp
Classification: Uncertain significance for Left ventricular noncompaction 8. Last evaluated: 2023-07-12. Review status: criteria provided, single submitter. Criteria: Invitae Variant Classification Sherloc (09022015). Collection method: clinical testing. Allele origin: unknown.
Comment: In summary, the available evidence is currently insufficient to determine the role of this variant in disease. Therefore, it has been classified as a Variant of Uncertain Significance. Experimental studies and prediction algorithms are not available or were not evaluated, and the functional significance of this variant is currently unknown. This variant has not been reported in the literature in individuals affected with PRDM16-related conditions. This variant is a gross deletion of the genomic region encompassing exon(s) 2-17 of the PRDM16 gene, which includes the termination codon. This deletion extends beyond the assayed region for this gene and therefore may encompass additional genes. While this deletion is not anticipated to lead to nonsense mediated decay, it is expected to alter mRNA translation or result in a truncated protein product.

NC_000001.10:g.(?_3102669)_(3350375_?)del

Gene: PRDM16 (PR/SET domain 16; plus strand). Cytogenetic location: 1p36.32.
Variant type: Deletion.
Identifiers: ClinVar variation 3247828 (VCV003247828.1).